The following is an entry in ClinVar:

NM_015474.4(SAMHD1):c.1723G>A (p.Asp575Asn)

Gene: SAMHD1 (SAM and HD domain containing deoxynucleoside triphosphate triphosphohydrolase 1; minus strand). Cytogenetic location: 20q11.23.
Variant type: single nucleotide variant.
Coding change: c.1723G>A on transcript NM_015474.4 (MANE Select); coding-DNA position 1723, G replaced by A.
Protein change: p.Asp575Asn; replaces aspartic acid 575 with asparagine.
Molecular consequence: missense variant.
Genome position (GRCh38, 1-based): chr20:36,897,845, C>T on the plus strand (G>A on the coding strand, the complement: SAMHD1 is on the minus strand). VCF-style: chr20-36897845-C-T. GRCh37 (hg19) VCF-style: chr20-35526248-C-T.
Other names: c.1618G>A, p.Asp540Asn (NM_001363729.2); c.1723G>A, p.Asp575Asn (NM_001363733.2); short protein forms D575N, D540N.
Identifiers: ClinVar variation 1041866 (VCV001041866.6), dbSNP rs1990225210, ClinGen allele CA408839359.
Genomic context (GRCh38, chr20:36,897,845, plus strand): 5'-AAAATTGTGCAAAGTTTGTGAGTAACAGGCCACCTACCTGCGGCTTGGTGAAATTTCTGT[C>T]TGCACACCACTGAACAAAATATTGTCTTGCGGCATACAAACTCTTTCTGTCCACCTTCTT-3'
Protein context (NP_056289.2, residues 565-585): ARQYFVQWCA[Asp575Asn]RNFTKPQDGD

ClinVar aggregate classification (germline): Uncertain significance (1 of 4 stars; one submission).

Conditions:
Aicardi-Goutieres syndrome 5. Identifiers: Orphanet 51, MedGen C2749659, MONDO:0013059, OMIM 612952.

Submission:

Labcorp Genetics (formerly Invitae), Labcorp
Classification: Uncertain significance for Aicardi-Goutieres syndrome 5. Last evaluated: 2021-09-01. Review status: criteria provided, single submitter. Criteria: Invitae Variant Classification Sherloc (09022015). Collection method: clinical testing. Allele origin: germline.
Comment: This sequence change replaces aspartic acid with asparagine at codon 575 of the SAMHD1 protein (p.Asp575Asn). The aspartic acid residue is weakly conserved and there is a small physicochemical difference between aspartic acid and asparagine. This variant is not present in population databases (ExAC no frequency). This variant has not been reported in the literature in individuals affected with SAMHD1-related conditions. Algorithms developed to predict the effect of missense changes on protein structure and function output the following: SIFT: "Tolerated"; PolyPhen-2: "Benign"; Align-GVGD: "Class C0". The asparagine amino acid residue is found in multiple mammalian species, which suggests that this missense change does not adversely affect protein function. In summary, the available evidence is currently insufficient to determine the role of this variant in disease. Therefore, it has been classified as a Variant of Uncertain Significance.